The following is an entry in ClinVar:

NM_130468.4(CHST14):c.642G>C (p.Glu214Asp)

Gene: CHST14 (carbohydrate sulfotransferase 14; plus strand). Cytogenetic location: 15q15.1.
Variant type: single nucleotide variant.
Coding change: c.642G>C on transcript NM_130468.4 (MANE Select); coding-DNA position 642, G replaced by C.
Protein change: p.Glu214Asp; replaces glutamic acid 214 with aspartic acid.
Molecular consequence: missense variant.
Genome position (GRCh38, 1-based): chr15:40,471,855, G>C. VCF-style: chr15-40471855-G-C. GRCh37 (hg19) VCF-style: chr15-40764054-G-C.
Other names: short protein forms E214D.
Identifiers: ClinVar variation 1439786 (VCV001439786.7), dbSNP rs146662235, ClinGen allele CA391766520.
Genomic context (GRCh38, chr15:40,471,855, plus strand): 5'-GCGGCCTGAGGAGATTCGCTACCGCCTGCAGCACTACTTTAAGTTCCTGTTTGTGCGGGA[G>C]CCCTTGGAACGCCTCCTCTCTGCCTACCGCAACAAGTTTGGCGAGATCCGAGAGTACCAG-3'
Protein context (NP_569735.1, residues 204-224): QHYFKFLFVR[Glu214Asp]PLERLLSAYR

ClinVar aggregate classification (germline): Uncertain significance (1 of 4 stars; one submission).

Conditions:
Ehlers-Danlos syndrome, musculocontractural type (EDSMC). Also called: ARTHROGRYPOSIS, DISTAL, WITH PECULIAR FACIES AND HYDRONEPHROSIS; DUNDAR SYNDROME; ADDUCTED THUMB-CLUBFOOT SYNDROME; Adducted thumb, clubfoot, progressive joint and skin laxity syndrome. Identifiers: Orphanet 2953, MedGen C1866294, MONDO:0011142.

Submission:

Labcorp Genetics (formerly Invitae), Labcorp
Classification: Uncertain significance for Ehlers-Danlos syndrome, musculocontractural type. Last evaluated: 2023-08-04. Review status: criteria provided, single submitter. Criteria: Invitae Variant Classification Sherloc (09022015). Collection method: clinical testing. Allele origin: germline.
Comment: In summary, the available evidence is currently insufficient to determine the role of this variant in disease. Therefore, it has been classified as a Variant of Uncertain Significance. Advanced modeling of protein sequence and biophysical properties (such as structural, functional, and spatial information, amino acid conservation, physicochemical variation, residue mobility, and thermodynamic stability) performed at Invitae indicates that this missense variant is not expected to disrupt CHST14 protein function. ClinVar contains an entry for this variant (Variation ID: 1439786). This variant has not been reported in the literature in individuals affected with CHST14-related conditions. This variant is not present in population databases (gnomAD no frequency). This sequence change replaces glutamic acid, which is acidic and polar, with aspartic acid, which is acidic and polar, at codon 214 of the CHST14 protein (p.Glu214Asp).